The following is an entry in ClinVar:

NM_000372.5(TYR):c.593T>G (p.Ile198Ser)

Gene: TYR (tyrosinase; plus strand). Cytogenetic location: 11q14.3.
Variant type: single nucleotide variant.
Coding change: c.593T>G on transcript NM_000372.5 (MANE Select); coding-DNA position 593, T replaced by G.
Protein change: p.Ile198Ser; replaces isoleucine 198 with serine.
Molecular consequence: missense variant.
Genome position (GRCh38, 1-based): chr11:89,178,546, T>G. VCF-style: chr11-89178546-T-G. GRCh37 (hg19) VCF-style: chr11-88911714-T-G.
Other names: short protein forms I198S.
Identifiers: ClinVar variation 1513922 (VCV001513922.6), dbSNP rs750553908, ClinGen allele CA382034862.
Genomic context (GRCh38, chr11:89,178,546, plus strand): 5'-GGATGCATTATTATGTGTCAATGGATGCACTGCTTGGGGGATCTGAAATCTGGAGAGACA[T>G]TGATTTTGCCCATGAAGCACCAGCTTTTCTGCCTTGGCATAGACTCTTCTTGTTGCGGTG-3'
Protein context (NP_000363.1, residues 188-208): LLGGSEIWRD[Ile198Ser]DFAHEAPAFL

ClinVar aggregate classification (germline): Likely pathogenic (1 of 4 stars; one submission).

Submission:

Labcorp Genetics (formerly Invitae), Labcorp
Classification: Likely pathogenic. Last evaluated: 2025-04-17. Review status: criteria provided, single submitter. Criteria: Invitae Variant Classification Sherloc (09022015). Collection method: clinical testing. Allele origin: germline.
Comment: This sequence change replaces isoleucine, which is neutral and non-polar, with serine, which is neutral and polar, at codon 198 of the TYR protein (p.Ile198Ser). This variant is not present in population databases (gnomAD no frequency). This missense change has been observed in individual(s) with TYR-related conditions (PMID: 34838614). Invitae Evidence Modeling of protein sequence and biophysical properties (such as structural, functional, and spatial information, amino acid conservation, physicochemical variation, residue mobility, and thermodynamic stability) indicates that this missense variant is expected to disrupt TYR protein function with a positive predictive value of 95%. This variant disrupts the p.Ile198 amino acid residue in TYR. Other variant(s) that disrupt this residue have been determined to be pathogenic (PMID: 24934919). This suggests that this residue is clinically significant, and that variants that disrupt this residue are likely to be disease-causing. In summary, the currently available evidence indicates that the variant is pathogenic, but additional data are needed to prove that conclusively. Therefore, this variant has been classified as Likely Pathogenic.

Literature cited by the submitters: PubMed 34838614; PubMed 24934919.